The following is an entry in ClinVar:

NM_003072.5(SMARCA4):c.3351G>C (p.Ala1117=)

Gene: SMARCA4 (SWI/SNF related BAF chromatin remodeling complex subunit ATPase 4; plus strand). Cytogenetic location: 19p13.2.
Variant type: single nucleotide variant.
Coding change: c.3351G>C on transcript NM_003072.5 (MANE Select); coding-DNA position 3351, G replaced by C.
Protein change: p.Ala1117=; no amino-acid change (alanine 1117 retained).
Molecular consequence: synonymous variant. On other transcripts: non-coding transcript variant (1).
Genome position (GRCh38, 1-based): chr19:11,027,919, G>C. VCF-style: chr19-11027919-G-C. GRCh37 (hg19) VCF-style: chr19-11138595-G-C.
Other names: c.3351G>C, p.Ala1117= (NM_001411150.1, NM_001128844.3, NM_001128845.2 and 6 more transcripts); c.3351G>C (NM_001128849.1).
Identifiers: ClinVar variation 2982681 (VCV002982681.5), dbSNP rs781587481, ClinGen allele CA505491831.
Genomic context (GRCh38, chr19:11,027,919, plus strand): 5'-CAAAGTGCTGCTGTTCTGCCAAATGACCTCCCTCATGACCATCATGGAAGATTACTTTGC[G>C]TATCGCGGCTTTAAATACCTCAGGCTTGATGGTGAGTATGAGCCAGTGAGGCGTTTCTTA-3'
Protein context (NP_003063.2, residues 1107-1127): SLMTIMEDYF[Ala1117=]YRGFKYLRLD

ClinVar aggregate classification (germline): Benign/Likely benign. Review status: criteria provided, multiple submitters, no conflicts (2 of 4 stars). 3 submissions from 3 submitters: Benign (1); Likely benign (2). Last evaluated 2026-07-14.

Conditions:
Rhabdoid tumor predisposition syndrome 2 (RTPS2). Identifiers: Orphanet 231108, Orphanet 69077, MedGen C2750074, MONDO:0013224, OMIM 613325.
Hereditary cancer-predisposing syndrome. Also called: Neoplastic Syndromes, Hereditary; Tumor predisposition; Hereditary Cancer Syndrome; Hereditary neoplastic syndrome. Identifiers: Orphanet 140162, MedGen C0027672, MeSH D009386, MONDO:0015356.

gnomAD v4.1: 2 of 1,614,058 alleles (0.00012%); highest among the groups gnomAD compares: East Asian, 0.0045%; no homozygotes.

Submissions (3):

Myriad Genetics, Inc.
Classification: Benign for Rhabdoid tumor predisposition syndrome 2. Last evaluated: 2026-07-14. Review status: criteria provided, single submitter. Criteria: Myriad Autosomal Dominant, Autosomal Recessive and X-Linked Classification Criteria (2023). Collection method: clinical testing. Allele origin: unknown.
Comment: This variant is considered benign. This variant is a silent/synonymous amino acid change and it is not expected to impact splicing.

Labcorp Genetics (formerly Invitae), Labcorp
Classification: Likely benign for Rhabdoid tumor predisposition syndrome 2. Last evaluated: 2025-11-24. Review status: criteria provided, single submitter. Criteria: Invitae Variant Classification Sherloc (09022015). Collection method: clinical testing. Allele origin: germline.

Ambry Genetics
Classification: Likely benign for Hereditary cancer-predisposing syndrome. Last evaluated: 2024-10-12. Review status: criteria provided, single submitter. Criteria: Ambry Variant Classification Scheme 2023. Collection method: clinical testing. Allele origin: germline.